The following is an entry in ClinVar:

ClinVar aggregate classification (germline): Pathogenic. Review status: criteria provided, single submitter (1 of 4 stars). 2 submissions from 2 submitters: Pathogenic (1). 1 of the submissions does not count toward it. Last evaluated 2024-08-31.

Conditions:
Cone-rod dystrophy 6 (CORD6). Also called: Cone dystrophy progressive; RETINAL CONE DYSTROPHY 2. Identifiers: Orphanet 1872, MedGen C1866293, MONDO:0011143, OMIM 601777.
Leber congenital amaurosis 1 (LCA1). Also called: Congenital absence of the rods and cones; Leber's congenital tapetoretinal degeneration; Leber's congenital tapetoretinal dysplasia; AMAUROSIS CONGENITA OF LEBER I; RETINAL BLINDNESS, CONGENITAL. Identifiers: Orphanet 65, MedGen C2931258, MONDO:0008764, OMIM 204000.

Allele frequency attached by ClinVar (database versions not stated): gnomAD exomes below 0.00001.
gnomAD v4.1: 1 of 1,604,894 alleles (0.000062%); highest among the groups gnomAD compares: South Asian, 0.0011%; no homozygotes.

Submissions (2):

Labcorp Genetics (formerly Invitae), Labcorp
Classification: Pathogenic for Leber congenital amaurosis 1; Cone-rod dystrophy 6. Last evaluated: 2024-08-31. Review status: criteria provided, single submitter. Criteria: Invitae Variant Classification Sherloc (09022015). Collection method: clinical testing. Allele origin: germline.
Comment: This sequence change affects an acceptor splice site in intron 14 of the GUCY2D gene. It is expected to disrupt RNA splicing. Variants that disrupt the donor or acceptor splice site typically lead to a loss of protein function (PMID: 16199547), and loss-of-function variants in GUCY2D are known to be pathogenic (PMID: 10951519, 11328726). This variant is not present in population databases (gnomAD no frequency). Disruption of this splice site has been observed in individual(s) with leber congenital amaurosis (PMID: 27422788). In at least one individual the data is consistent with being in trans (on the opposite chromosome) from a pathogenic variant. ClinVar contains an entry for this variant (Variation ID: 974647). Algorithms developed to predict the effect of sequence changes on RNA splicing suggest that this variant may disrupt the consensus splice site. For these reasons, this variant has been classified as Pathogenic.

Laboratory of Genetics in Ophthalmology, Institut Imagine
Classification: Pathogenic for Leber congenital amaurosis 1. Review status: no assertion criteria provided. Collection method: research. Allele origin: inherited. Affected: yes. Observed: 1 variant allele. Not counted in ClinVar's aggregate classification.

Literature cited by the submitters: PubMed 16199547 (cited by Labcorp Genetics (formerly Invitae), Labcorp); PubMed 10951519 (cited by Labcorp Genetics (formerly Invitae), Labcorp); PubMed 11328726 (cited by Labcorp Genetics (formerly Invitae), Labcorp); PubMed 27422788 (cited by Labcorp Genetics (formerly Invitae), Labcorp and Laboratory of Genetics in Ophthalmology, Institut Imagine).

NM_000180.4(GUCY2D):c.2770-2A>G

Gene: GUCY2D (guanylate cyclase 2D, retinal; plus strand). Cytogenetic location: 17p13.1.
Variant type: single nucleotide variant.
Coding change: c.2770-2A>G on transcript NM_000180.4 (MANE Select); the canonical splice acceptor site of the intron before coding-DNA position 2770, A replaced by G.
Molecular consequence: splice acceptor variant.
Genome position (GRCh38, 1-based): chr17:8,015,326, A>G. VCF-style: chr17-8015326-A-G. GRCh37 (hg19) VCF-style: chr17-7918644-A-G.
Identifiers: ClinVar variation 974647 (VCV000974647.3), dbSNP rs1975943416, ClinGen allele CA397954292.
Genomic context (GRCh38, chr17:8,015,326, plus strand): 5'-TCGCTTCGTGTACTCGGGGGGAATGCTCAAAAGAAAATTCACACAACTCCTTCTTCCCCC[A>G]GGTGGAGACAATAGGGGACGCCTATATGGTGGCCTCGGGGCTGCCCCAGCGGAATGGGCA-3'